The following is an entry in ClinVar:

ClinVar aggregate classification (germline): Benign/Likely benign. Review status: criteria provided, multiple submitters, no conflicts (2 of 4 stars). 3 submissions from 3 submitters: Benign (1); Likely benign (2). Last evaluated 2025-09-08.

Conditions:
Birt-Hogg-Dube syndrome 1 (BHD1). Also called: FIBROFOLLICULOMAS WITH TRICHODISCOMAS AND ACROCHORDONS. Identifiers: Orphanet 122, MedGen CN375946, MONDO:0800445, OMIM 135150.
Hereditary cancer-predisposing syndrome. Also called: Hereditary neoplastic syndrome; Neoplastic Syndromes, Hereditary; Tumor predisposition; Hereditary Cancer Syndrome. Identifiers: Orphanet 140162, MedGen C0027672, MeSH D009386, MONDO:0015356.
Birt-Hogg-Dube syndrome. Also called: Birt Hogg Dubé syndrome. Identifiers: Orphanet 122, MedGen C0346010, MONDO:0800444.

Allele frequency attached by ClinVar (database versions not stated): gnomAD exomes below 0.00001.

Submissions (3):

Labcorp Genetics (formerly Invitae), Labcorp
Classification: Likely benign for Birt-Hogg-Dube syndrome. Last evaluated: 2025-09-08. Review status: criteria provided, single submitter. Criteria: Invitae Variant Classification Sherloc (09022015). Collection method: clinical testing. Allele origin: germline.

Myriad Genetics, Inc.
Classification: Benign for Birt-Hogg-Dube syndrome 1. Last evaluated: 2024-10-22. Review status: criteria provided, single submitter. Criteria: Myriad Autosomal Dominant, Autosomal Recessive and X-Linked Classification Criteria (2023). Collection method: clinical testing. Allele origin: unknown.
Comment: This variant is considered benign. This variant is a silent/synonymous amino acid change and it is not expected to impact splicing.

Ambry Genetics
Classification: Likely benign for Hereditary cancer-predisposing syndrome. Last evaluated: 2020-11-04. Review status: criteria provided, single submitter. Criteria: Ambry Variant Classification Scheme 2023. Collection method: clinical testing. Allele origin: germline.

NM_144997.7(FLCN):c.354C>T (p.Phe118=)

Gene: FLCN (folliculin; minus strand). Cytogenetic location: 17p11.2.
Variant type: single nucleotide variant.
Coding change: c.354C>T on transcript NM_144997.7 (MANE Select); coding-DNA position 354, C replaced by T.
Protein change: p.Phe118=; no amino-acid change (phenylalanine 118 retained).
Molecular consequence: synonymous variant.
Genome position (GRCh38, 1-based): chr17:17,226,218, G>A on the plus strand (C>T on the coding strand, the complement: FLCN is on the minus strand). VCF-style: chr17-17226218-G-A. GRCh37 (hg19) VCF-style: chr17-17129532-G-A.
Other names: c.354C>T (LRG_325t1); c.354C>T, p.Phe118= (NM_001353229.2, NM_001353230.2, NM_001353231.2 and 1 more transcripts).
Identifiers: ClinVar variation 460613 (VCV000460613.10), dbSNP rs1555610913, ClinGen allele CA498167672.